The following is an entry in ClinVar:

NM_015374.3(SUN2):c.539T>C (p.Leu180Pro)

Gene: SUN2 (Sad1 and UNC84 domain containing 2; minus strand). Cytogenetic location: 22q13.1.
Variant type: single nucleotide variant.
Coding change: c.539T>C on transcript NM_015374.3 (MANE Select); coding-DNA position 539, T replaced by C.
Protein change: p.Leu180Pro; replaces leucine 180 with proline.
Molecular consequence: missense variant.
Genome position (GRCh38, 1-based): chr22:38,749,841, A>G on the plus strand (T>C on the coding strand, the complement: SUN2 is on the minus strand). VCF-style: chr22-38749841-A-G. GRCh37 (hg19) VCF-style: chr22-39145846-A-G.
Other names: c.602T>C, p.Leu201Pro (NM_001199579.2); c.539T>C, p.Leu180Pro (NM_001199580.2); short protein forms L180P, L201P.
Identifiers: ClinVar variation 852054 (VCV000852054.9), dbSNP rs2092930754, ClinGen allele CA411586266.
Genomic context (GRCh38, chr22:38,749,841, plus strand): 5'-ACGTCAAGGAGGGAGGCAGCTGTGGTCAGGCGGTACCAGGTGGTGCCAGCCCACCAGTAG[A>G]GAAGTCTGAAGAGCCGGCCTGGAAGAATGACCATCAAGCCGAAGGCTCCATATGGTGTTT-3'
Protein context (NP_056189.1, residues 170-190): ATSPGRLFRL[Leu180Pro]YWWAGTTWYR

ClinVar aggregate classification (germline): Uncertain significance (1 of 4 stars; one submission).

Conditions:
Emery-Dreifuss muscular dystrophy (EDMD). Also called: Scapuloperoneal syndrome, X-linked (formerly); Humeroperoneal neuromuscular disease, (formerly). Identifiers: Orphanet 261, MedGen C0410189, MONDO:0016830.

Allele frequency attached by ClinVar (database versions not stated): gnomAD exomes 0.00001.
gnomAD v4.1: 8 of 1,613,718 alleles (0.0005%); highest among the groups gnomAD compares: Non-Finnish European, 0.00068%; no homozygotes.

Submission:

Labcorp Genetics (formerly Invitae), Labcorp
Classification: Uncertain significance for Emery-Dreifuss muscular dystrophy. Last evaluated: 2019-12-28. Review status: criteria provided, single submitter. Criteria: Invitae Variant Classification Sherloc (09022015). Collection method: clinical testing. Allele origin: germline.
Comment: In summary, the available evidence is currently insufficient to determine the role of this variant in disease. Therefore, it has been classified as a Variant of Uncertain Significance. Algorithms developed to predict the effect of missense changes on protein structure and function are either unavailable or do not agree on the potential impact of this missense change (SIFT: "Tolerated"; PolyPhen-2: "Probably Damaging"; Align-GVGD: "Class C0"). This variant has not been reported in the literature in individuals with SUN2-related conditions. This variant is not present in population databases (ExAC no frequency). This sequence change replaces leucine with proline at codon 180 of the SUN2 protein (p.Leu180Pro). The leucine residue is moderately conserved and there is a moderate physicochemical difference between leucine and proline.